The following is an entry in ClinVar:

NM_024408.4(NOTCH2):c.3664T>G (p.Cys1222Gly)

Gene: NOTCH2 (notch receptor 2; minus strand). Cytogenetic location: 1p12.
Variant type: single nucleotide variant.
Coding change: c.3664T>G on transcript NM_024408.4 (MANE Select); coding-DNA position 3664, T replaced by G.
Protein change: p.Cys1222Gly; replaces cysteine 1222 with glycine.
Molecular consequence: missense variant.
Genome position (GRCh38, 1-based): chr1:119,929,204, A>C on the plus strand (T>G on the coding strand, the complement: NOTCH2 is on the minus strand). VCF-style: chr1-119929204-A-C. GRCh37 (hg19) VCF-style: chr1-120471827-A-C.
Other names: short protein forms C1222G.
Identifiers: ClinVar variation 3710459 (VCV003710459.2).

ClinVar aggregate classification (germline): Uncertain significance (1 of 4 stars; one submission).

Conditions:
Hajdu-Cheney syndrome (HJCYS). Also called: ACROOSTEOLYSIS WITH OSTEOPOROSIS AND CHANGES IN SKULL AND MANDIBLE; SERPENTINE FIBULA-POLYCYSTIC KIDNEY SYNDROME; Acroosteolysis dominant type. Identifiers: Orphanet 955, MedGen C0917715, MONDO:0007057, OMIM 102500.

Submission:

Labcorp Genetics (formerly Invitae), Labcorp
Classification: Uncertain significance for Hajdu-Cheney syndrome. Last evaluated: 2024-11-22. Review status: criteria provided, single submitter. Criteria: Invitae Variant Classification Sherloc (09022015). Collection method: clinical testing. Allele origin: germline.
Comment: This sequence change replaces cysteine, which is neutral and slightly polar, with glycine, which is neutral and non-polar, at codon 1222 of the NOTCH2 protein (p.Cys1222Gly). This variant is not present in population databases (gnomAD no frequency). This variant has not been reported in the literature in individuals affected with NOTCH2-related conditions. Invitae Evidence Modeling of protein sequence and biophysical properties (such as structural, functional, and spatial information, amino acid conservation, physicochemical variation, residue mobility, and thermodynamic stability) indicates that this missense variant is expected to disrupt NOTCH2 protein function with a positive predictive value of 80%. In summary, the available evidence is currently insufficient to determine the role of this variant in disease. Therefore, it has been classified as a Variant of Uncertain Significance.